The following is an entry in ClinVar:

NM_006767.4(LZTR1):c.26G>A (p.Gly9Glu)

Genes: LZTR1 (leucine zipper like post translational regulator 1; plus strand), LOC130067016 (ATAC-STARR-seq lymphoblastoid silent region 13504; plus strand). Cytogenetic location: 22q11.21.
Variant type: single nucleotide variant.
Coding change: c.26G>A on transcript NM_006767.4 (MANE Select); coding-DNA position 26, G replaced by A.
Protein change: p.Gly9Glu; replaces glycine 9 with glutamic acid.
Molecular consequence: missense variant.
Genome position (GRCh38, 1-based): chr22:20,982,397, G>A. VCF-style: chr22-20982397-G-A. GRCh37 (hg19) VCF-style: chr22-21336686-G-A.
Other names: short protein forms G9E.
Identifiers: ClinVar variation 1794905 (VCV001794905.10), dbSNP rs756485244, ClinGen allele CA501016.

ClinVar aggregate classification (germline): Uncertain significance. Review status: criteria provided, multiple submitters, no conflicts (2 of 4 stars). 6 submissions from 6 submitters: Uncertain significance (6). Last evaluated 2025-09-15.

Conditions:
Cardiovascular phenotype. Identifiers: MedGen CN230736.
Hereditary cancer-predisposing syndrome. Also called: Tumor predisposition; Hereditary Cancer Syndrome; Neoplastic Syndromes, Hereditary; Hereditary neoplastic syndrome. Identifiers: Orphanet 140162, MedGen C0027672, MeSH D009386, MONDO:0015356.
LZTR1-related schwannomatosis. Also called: Schwannomatosis-2, susceptibility to; Schwannomatosis 2. Identifiers: Orphanet 93921, MedGen C3810283, MONDO:0014299, OMIM 615670.
Noonan syndrome 10 (NS10). Identifiers: Orphanet 648, MedGen C4225280, MONDO:0014693, OMIM 616564.
Noonan syndrome 2 (NS2). Identifiers: Orphanet 648, MedGen C1854469, MONDO:0011531, OMIM 605275.

gnomAD v4.1: 28 of 1,560,702 alleles (0.0018%); highest among the groups gnomAD compares: Middle Eastern, 0.017%; no homozygotes.

Submissions (6):

Labcorp Genetics (formerly Invitae), Labcorp
Classification: Uncertain significance. Last evaluated: 2025-09-15. Review status: criteria provided, single submitter. Criteria: Invitae Variant Classification Sherloc (09022015). Collection method: clinical testing. Allele origin: germline.
Comment: This sequence change replaces glycine, which is neutral and non-polar, with glutamic acid, which is acidic and polar, at codon 9 of the LZTR1 protein (p.Gly9Glu). This variant is present in population databases (rs756485244, gnomAD 0.02%). This variant has not been reported in the literature in individuals affected with LZTR1-related conditions. ClinVar contains an entry for this variant (Variation ID: 1794905). Invitae Evidence Modeling of protein sequence and biophysical properties (such as structural, functional, and spatial information, amino acid conservation, physicochemical variation, residue mobility, and thermodynamic stability) has been performed for this missense variant. However, the output from this modeling did not meet the statistical confidence thresholds required to predict the impact of this variant on LZTR1 protein function. In summary, the available evidence is currently insufficient to determine the role of this variant in disease. Therefore, it has been classified as a Variant of Uncertain Significance.

Ambry Genetics
Classification: Uncertain significance for Cardiovascular phenotype; Hereditary cancer-predisposing syndrome. Last evaluated: 2025-04-07. Review status: criteria provided, single submitter. Criteria: Ambry Variant Classification Scheme 2023. Collection method: clinical testing. Allele origin: germline.

GeneDx
Classification: Uncertain significance. Last evaluated: 2024-09-05. Review status: criteria provided, single submitter. Criteria: GeneDx Variant Classification Process June 2021. Collection method: clinical testing. Allele origin: germline. Affected: yes.
Comment: In silico analysis indicates that this missense variant does not alter protein structure/function; Has not been previously published as pathogenic or benign to our knowledge

Fulgent Genetics
Classification: Uncertain significance for Noonan syndrome 2; LZTR1-related schwannomatosis; Noonan syndrome 10. Last evaluated: 2024-02-20. Review status: criteria provided, single submitter. Criteria: ACMG Guidelines, 2015. Collection method: clinical testing. Allele origin: germline.

Baylor Genetics
Classification: Uncertain significance for LZTR1-related schwannomatosis. Last evaluated: 2023-06-02. Review status: criteria provided, single submitter. Criteria: ACMG Guidelines, 2015. Collection method: clinical testing. Allele origin: unknown.

Department of Pathology and Laboratory Medicine, Sinai Health System
Classification: Uncertain significance for LZTR1-related schwannomatosis. Last evaluated: 2022-08-17. Review status: criteria provided, single submitter. Criteria: ACMG Guidelines, 2015. Collection method: clinical testing. Allele origin: germline. Affected: yes.